The following is an entry in ClinVar:

NM_000147.5(FUCA1):c.577dup (p.Tyr193fs)

Gene: FUCA1 (alpha-L-fucosidase 1; minus strand). Cytogenetic location: 1p36.11.
Variant type: Duplication.
Coding change: c.577dup on transcript NM_000147.5 (MANE Select); coding-DNA position 577, one base duplicated (T; older notation c.577dupT).
Protein change: p.Tyr193fs; shifts the reading frame from tyrosine 193.
Molecular consequence: frameshift variant. On other transcripts: non-coding transcript variant (4).
Genome position (GRCh38, 1-based): chr1:23,863,219, A duplicated on the plus strand (T on the coding strand, the reverse complement: FUCA1 is on the minus strand). VCF-style (leftmost placement, unchanged base first): chr1-23863218-T-TA. GRCh37 (hg19) VCF-style: chr1-24189708-T-TA.
Other names: p.Tyr193LeufsTer4; short protein forms Y193fs.
Identifiers: ClinVar variation 1727210 (VCV001727210.3), dbSNP rs2521731093, ClinGen allele CA2580062580.

ClinVar aggregate classification (germline): Pathogenic (1 of 4 stars; one submission).

Conditions:
Fucosidosis. Also called: ALPHA-L-FUCOSIDASE DEFICIENCY. Identifiers: Orphanet 349, MedGen C0016788, MONDO:0009254, OMIM 230000.

Submission:

Foundation for Research in Genetics and Endocrinology, FRIGE's Institute of Human Genetics
Classification: Pathogenic for Fucosidosis. Last evaluated: 2022-10-31. Review status: criteria provided, single submitter. Criteria: ACMG Guidelines, 2015. Collection method: clinical testing. Allele origin: germline. Inheritance: Autosomal recessive inheritance. Affected: yes. Observed: 1 homozygote.
Comment: A homozygous single base pair insertion in exon 3 of the FUCA1 gene that results in a frameshift and premature truncation of the protein 4 amino acids downstream to codon 193 was detected. This variant has not been reported in the 1000 genomes and gnomAD databases and has a minor allele frequency of 0.001% in our internal database. The in silico prediction of the variant is damaging by MutationTaster2. The reference region is conserved across species. In summary, the variant meets our criteria to be classified as pathogenic.